The following is an entry in ClinVar:

ClinVar aggregate classification (germline): Conflicting classifications of pathogenicity. Review status: criteria provided, conflicting classifications (1 of 4 stars). 4 submissions from 4 submitters: Uncertain significance (2); Benign (1). 1 of the submissions does not count toward it. Last evaluated 2025-07-06.

Conditions:
KMT2D-related disorder. Also called: KMT2D-Related Disorders.
Choanal atresia-athelia-hypothyroidism-delayed puberty-short stature syndrome (BCAHH). Also called: BRANCHIAL ARCH ABNORMALITIES, CHOANAL ATRESIA, ATHELIA, HEARING LOSS, AND HYPOTHYROIDISM SYNDROME. Identifiers: Orphanet 589856, MedGen C5680310, MONDO:0035651, OMIM 620186.
Kabuki syndrome 1 (KABUK1). Also called: KMT2D-Related Kabuki Syndrome. Identifiers: Orphanet 2322, MedGen CN030661, MONDO:0007843, OMIM 147920.
Kabuki syndrome. Also called: NIIKAWA-KUROKI SYNDROME; Kabuki make-up syndrome. Identifiers: Orphanet 2322, MedGen C0796004, MONDO:0016512.

Allele frequency attached by ClinVar (database versions not stated): gnomAD exomes below 0.00001 and 0.00001; gnomAD 0.00001; TOPMed 0.00002.
gnomAD v4.1: 2 of 1,613,768 alleles (0.00012%); highest among the groups gnomAD compares: African/African-American, 0.0027%; no homozygotes.

Submissions (4):

Labcorp Genetics (formerly Invitae), Labcorp
Classification: Benign for Kabuki syndrome. Last evaluated: 2025-07-06. Review status: criteria provided, single submitter. Criteria: Invitae Variant Classification Sherloc (09022015). Collection method: clinical testing. Allele origin: germline.

Fulgent Genetics
Classification: Uncertain significance for Kabuki syndrome 1; Choanal atresia-athelia-hypothyroidism-delayed puberty-short stature syndrome. Last evaluated: 2024-04-02. Review status: criteria provided, single submitter. Criteria: ACMG Guidelines, 2015. Collection method: clinical testing. Allele origin: germline.

GeneDx
Classification: Uncertain significance. Last evaluated: 2021-06-30. Review status: criteria provided, single submitter. Criteria: GeneDx Variant Classification Process June 2021. Collection method: clinical testing. Allele origin: germline. Affected: yes.
Comment: Has not been previously published as pathogenic or benign to our knowledge; In silico analysis supports that this missense variant does not alter protein structure/function; This variant is associated with the following publications: (PMID: 27535533)

PreventionGenetics, part of Exact Sciences
Classification: Uncertain significance for KMT2D-related condition. Last evaluated: 2024-01-29. Review status: no assertion criteria provided. Collection method: clinical testing. Allele origin: germline. Not counted in ClinVar's aggregate classification.
Comment: The KMT2D c.5407A>G variant is predicted to result in the amino acid substitution p.Thr1803Ala. To our knowledge, this variant has not been reported in the literature. This variant is reported in 0.013% of alleles in individuals of African descent in gnomAD. At this time, the clinical significance of this variant is uncertain due to the absence of conclusive functional and genetic evidence.

NM_003482.4(KMT2D):c.5407A>G (p.Thr1803Ala)

Gene: KMT2D (lysine methyltransferase 2D; minus strand). Cytogenetic location: 12q13.12.
Variant type: single nucleotide variant.
Coding change: c.5407A>G on transcript NM_003482.4 (MANE Select); coding-DNA position 5407, A replaced by G.
Protein change: p.Thr1803Ala; replaces threonine 1803 with alanine.
Molecular consequence: missense variant.
Genome position (GRCh38, 1-based): chr12:49,043,695, T>C on the plus strand (A>G on the coding strand, the complement: KMT2D is on the minus strand). VCF-style: chr12-49043695-T-C. GRCh37 (hg19) VCF-style: chr12-49437478-T-C.
Other names: short protein forms T1803A.
Identifiers: ClinVar variation 1331218 (VCV001331218.10), dbSNP rs1217603879, ClinGen allele CA384631615.
Genomic context (GRCh38, chr12:49,043,695, plus strand): 5'-CTTTCTGCGATGTGGGGAGTTCCTTCCTTTCTGAGCCTCCATCTCCCTTGGCTTTTGGGG[T>C]CCCTAGTCCAAAGCTTGGCCGGCCCACCCCAACTGCAAAAAGGGCCTTACGGCTCAGGTC-3'
Protein context (NP_003473.3, residues 1793-1813): GVGRPSFGLG[Thr1803Ala]PKAKGDGGSE